The following is an entry in ClinVar:

ClinVar aggregate classification (germline): Likely benign (0 of 4 stars; one submission).

Conditions:
CERT1-related disorder. Also called: CERT1-related condition.

Allele frequency attached by ClinVar (database versions not stated): ExAC 0.00001; gnomAD 0.00001; TOPMed 0.00001; gnomAD exomes 0.00002.
gnomAD v4.1: 28 of 1,613,192 alleles (0.0017%); highest among the groups gnomAD compares: African/African-American, 0.0027%; no homozygotes.

Submission:

PreventionGenetics, part of Exact Sciences
Classification: Likely benign for CERT1-related condition. Last evaluated: 2019-04-04. Review status: no assertion criteria provided. Collection method: clinical testing. Allele origin: germline.
Comment: This variant is classified as likely benign based on ACMG/AMP sequence variant interpretation guidelines (Richards et al. 2015 PMID: 25741868, with internal and published modifications).

NM_001379029.1(CERT1):c.1041A>G (p.Leu347=)

Gene: CERT1 (ceramide transporter 1; minus strand). Cytogenetic location: 5q13.3.
Variant type: single nucleotide variant.
Coding change: c.1041A>G on transcript NM_001379029.1 (MANE Select); coding-DNA position 1041, A replaced by G.
Protein change: p.Leu347=; no amino-acid change (leucine 347 retained).
Molecular consequence: synonymous variant.
Genome position (GRCh38, 1-based): chr5:75,400,274, T>C on the plus strand (A>G on the coding strand, the complement: CERT1 is on the minus strand). VCF-style: chr5-75400274-T-C. GRCh37 (hg19) VCF-style: chr5-74696099-T-C.
Other names: c.1425A>G, p.Leu475= (NM_001130105.1); c.1041A>G, p.Leu347= (NM_001379002.1, NM_001379003.1, NM_001379004.1 and 2 more transcripts).
Identifiers: ClinVar variation 3058719 (VCV003058719.2), dbSNP rs747392475, ClinGen allele CA3309127.